The following is an entry in ClinVar:

NM_014425.5(INVS):c.1478T>C (p.Leu493Ser)

Gene: INVS (inversin; plus strand). Cytogenetic location: 9q31.1.
Variant type: single nucleotide variant.
Coding change: c.1478T>C on transcript NM_014425.5 (MANE Select); coding-DNA position 1478, T replaced by C.
Protein change: p.Leu493Ser; replaces leucine 493 with serine.
Molecular consequence: missense variant. On other transcripts: non-coding transcript variant (1).
Genome position (GRCh38, 1-based): chr9:100,264,835, T>C. VCF-style: chr9-100264835-T-C. GRCh37 (hg19) VCF-style: chr9-103027117-T-C.
Other names: c.1190T>C, p.Leu397Ser (NM_001318381.2); c.500T>C, p.Leu167Ser (NM_001318382.2); short protein forms L493S, L397S, L167S.
Identifiers: ClinVar variation 11960 (VCV000011960.6), dbSNP rs121964995, ClinGen allele CA121810.

ClinVar aggregate classification (germline): Uncertain significance. Review status: criteria provided, multiple submitters, no conflicts (2 of 4 stars). 3 submissions from 3 submitters: Uncertain significance (2). 1 of the submissions does not count toward it. Last evaluated 2024-05-31.

Conditions:
Nephronophthisis. Also called: Juvenile Nephronophthisis. Identifiers: Orphanet 655, MedGen C0687120, MONDO:0019005, HP:0000090.
Infantile nephronophthisis (NPHP2). Also called: Nephronophthisis 2; Nephronophthisis 2, infantile. Identifiers: Orphanet 655, Orphanet 93591, MedGen C1865872, MONDO:0011190, OMIM 602088.

Submissions (3):

Women's Health and Genetics/Laboratory Corporation of America, LabCorp
Classification: Uncertain significance. Last evaluated: 2024-05-31. Review status: criteria provided, single submitter. Criteria: LabCorp Variant Classification Summary - May 2015. Collection method: clinical testing. Allele origin: germline.
Comment: Variant summary: INVS c.1478T>C (p.Leu493Ser) results in a non-conservative amino acid change in the encoded protein sequence. Five of five in-silico tools predict a damaging effect of the variant on protein function. The variant was absent in 251456 control chromosomes (gnomAD). c.1478T>C has been reported in the literature in at least one homozygous individual affected with Infantile Nephronophthisis (Otto_2003). These data indicate that the variant may be associated with disease. At least one publication reports experimental evidence evaluating an impact on protein function (Simons_2005). The following publications have been ascertained in the context of this evaluation (PMID: 21866095, 12872123, 15852005, 19177160). ClinVar contains an entry for this variant (Variation ID: 11960). Based on the evidence outlined above, the variant was classified as VUS-possibly pathogenic.

Labcorp Genetics (formerly Invitae), Labcorp
Classification: Uncertain significance for Nephronophthisis. Last evaluated: 2022-05-24. Review status: criteria provided, single submitter. Criteria: Invitae Variant Classification Sherloc (09022015). Collection method: clinical testing. Allele origin: germline.
Comment: This sequence change replaces leucine, which is neutral and non-polar, with serine, which is neutral and polar, at codon 493 of the INVS protein (p.Leu493Ser). This variant is not present in population databases (gnomAD no frequency). This missense change has been observed in individual(s) with clinical features of nephronophthisis (PMID: 12872123). ClinVar contains an entry for this variant (Variation ID: 11960). Algorithms developed to predict the effect of missense changes on protein structure and function are either unavailable or do not agree on the potential impact of this missense change (SIFT: "Deleterious"; PolyPhen-2: "Probably Damaging"; Align-GVGD: "Class C0"). Experimental studies have shown that this missense change affects INVS function (PMID: 15852005). In summary, the available evidence is currently insufficient to determine the role of this variant in disease. Therefore, it has been classified as a Variant of Uncertain Significance.

OMIM
Classification: Pathogenic for NEPHRONOPHTHISIS 2. Last evaluated: 2003-08-01. Review status: no assertion criteria provided. Collection method: literature only. Allele origin: germline. Not counted in ClinVar's aggregate classification.

Literature cited by the submitters: PubMed 21866095 (cited by Women's Health and Genetics/Laboratory Corporation of America, LabCorp); PubMed 19177160 (cited by Women's Health and Genetics/Laboratory Corporation of America, LabCorp); PubMed 12872123 (cited by 3 submitters); PubMed 15852005 (cited by Women's Health and Genetics/Laboratory Corporation of America, LabCorp and Labcorp Genetics (formerly Invitae), Labcorp); PubMed 2702088 (cited by OMIM).